The following is an entry in ClinVar:

ClinVar aggregate classification (germline): Uncertain significance (1 of 4 stars; one submission).

gnomAD v4.1: 8 of 1,602,140 alleles (0.0005%); highest among the groups gnomAD compares: East Asian, 0.0022%; no homozygotes.

Submission:

Labcorp Genetics (formerly Invitae), Labcorp
Classification: Uncertain significance. Last evaluated: 2024-08-01. Review status: criteria provided, single submitter. Criteria: Invitae Variant Classification Sherloc (09022015). Collection method: clinical testing. Allele origin: germline.
Comment: This sequence change falls in intron 9 of the TRPV3 gene. It does not directly change the encoded amino acid sequence of the TRPV3 protein. This variant is present in population databases (rs766947955, gnomAD 0.003%). This variant has not been reported in the literature in individuals affected with TRPV3-related conditions. Algorithms developed to predict the effect of sequence changes on RNA splicing suggest that this variant may disrupt the consensus splice site. In summary, the available evidence is currently insufficient to determine the role of this variant in disease. Therefore, it has been classified as a Variant of Uncertain Significance.

NM_145068.4(TRPV3):c.1242+19C>T

Gene: TRPV3 (transient receptor potential cation channel subfamily V member 3; minus strand). Cytogenetic location: 17p13.2.
Variant type: single nucleotide variant.
Coding change: c.1242+19C>T on transcript NM_145068.4 (MANE Select); 19 bases into the intron after coding-DNA position 1242, C replaced by T.
Molecular consequence: intron variant.
Genome position (GRCh38, 1-based): chr17:3,530,008, G>A on the plus strand (C>T on the coding strand, the complement: TRPV3 is on the minus strand). VCF-style: chr17-3530008-G-A. GRCh37 (hg19) VCF-style: chr17-3433302-G-A.
Other names: c.1242+19C>T (NM_001258205.2).
Identifiers: ClinVar variation 3629058 (VCV003629058.2).